The following is an entry in ClinVar:

NM_001034853.2(RPGR):c.1484A>G (p.Glu495Gly)

Gene: RPGR (retinitis pigmentosa GTPase regulator; minus strand). Cytogenetic location: Xp11.4.
Variant type: single nucleotide variant.
Coding change: c.1484A>G on transcript NM_001034853.2 (MANE Select); coding-DNA position 1484, A replaced by G.
Protein change: p.Glu495Gly; replaces glutamic acid 495 with glycine.
Molecular consequence: missense variant. On other transcripts: non-coding transcript variant (5).
Genome position (GRCh38, 1-based): chrX:38,291,415, T>C on the plus strand (A>G on the coding strand, the complement: RPGR is on the minus strand). VCF-style: chrX-38291415-T-C. GRCh37 (hg19) VCF-style: chrX-38150668-T-C.
Other names: c.1484A>G, p.Glu495Gly (NM_000328.3, NM_001367247.1); c.1481A>G, p.Glu494Gly (NM_001367245.1, NM_001367249.1, NM_001367250.1); c.1298A>G, p.Glu433Gly (NM_001367246.1, NM_001367251.1); c.1514A>G, p.Glu505Gly (NM_001367248.1); short protein forms E505G, E433G, E494G, E495G.
Identifiers: ClinVar variation 2903518 (VCV002903518.4), dbSNP rs2088299654, ClinGen allele CA412737767.

ClinVar aggregate classification (germline): Uncertain significance. Review status: criteria provided, multiple submitters, no conflicts (2 of 4 stars). 2 submissions from 2 submitters: Uncertain significance (2). Last evaluated 2024-05-23.

Conditions:
Primary ciliary dyskinesia. Also called: Ciliary dyskinesia. Identifiers: Orphanet 244, MedGen C0008780, MONDO:0016575, HP:0012265.
Macular degeneration, X-linked atrophic. Identifiers: Orphanet 1872, MedGen C3151784, MONDO:0010443, OMIM 300834.
Retinitis pigmentosa, X-linked, and sinorespiratory infections, with or without deafness (RPSRDF). Identifiers: Orphanet 247522, MedGen C2749137, OMIM 300455.
Retinitis pigmentosa 3. Also called: CHOROIDORETINAL DEGENERATION WITH RETINAL REFLEX IN HETEROZYGOUS WOMEN. Identifiers: Orphanet 791, MedGen C1845667, MONDO:0010227, OMIM 300029.
X-linked cone-rod dystrophy 1 (CORDX1). Identifiers: Orphanet 1872, MedGen C1844776, MONDO:0010566, OMIM 304020.

Allele frequency attached by ClinVar (database versions not stated): TOPMed below 0.00001; gnomAD 0.00001.
gnomAD v4.1: 2 of 1,152,080 alleles (0.00017%); highest among the groups gnomAD compares: African/African-American, 0.0018%; no homozygotes.

Submissions (2):

Fulgent Genetics
Classification: Uncertain significance for Retinitis pigmentosa 3; Retinitis pigmentosa, X-linked, and sinorespiratory infections, with or without deafness; Macular degeneration, X-linked atrophic; X-linked cone-rod dystrophy 1. Last evaluated: 2024-05-23. Review status: criteria provided, single submitter. Criteria: ACMG Guidelines, 2015. Collection method: clinical testing. Allele origin: germline.

Labcorp Genetics (formerly Invitae), Labcorp
Classification: Uncertain significance for Primary ciliary dyskinesia. Last evaluated: 2023-06-05. Review status: criteria provided, single submitter. Criteria: Invitae Variant Classification Sherloc (09022015). Collection method: clinical testing. Allele origin: germline.
Comment: In summary, the available evidence is currently insufficient to determine the role of this variant in disease. Therefore, it has been classified as a Variant of Uncertain Significance. Advanced modeling of protein sequence and biophysical properties (such as structural, functional, and spatial information, amino acid conservation, physicochemical variation, residue mobility, and thermodynamic stability) performed at Invitae indicates that this missense variant is not expected to disrupt RPGR protein function. This variant has not been reported in the literature in individuals affected with RPGR-related conditions. This variant is not present in population databases (gnomAD no frequency). This sequence change replaces glutamic acid, which is acidic and polar, with glycine, which is neutral and non-polar, at codon 495 of the RPGR protein (p.Glu495Gly).